The following is an entry in ClinVar:

ClinVar aggregate classification (germline): Uncertain significance (1 of 4 stars; one submission).

Allele frequency attached by ClinVar (database versions not stated): gnomAD 0.00001 and 0.00003; TOPMed 0.00002; gnomAD exomes 0.00003 and 0.00006; ExAC 0.00007; ESP Exome Variant Server 0.00008; 1000 Genomes Project 30x 0.00016; 1000 Genomes Project 0.00020.
gnomAD v4.1: 54 of 1,614,138 alleles (0.0033%); highest among the groups gnomAD compares: Admixed American, 0.012%; no homozygotes.

Submission:

Labcorp Genetics (formerly Invitae), Labcorp
Classification: Uncertain significance. Last evaluated: 2025-01-27. Review status: criteria provided, single submitter. Criteria: Invitae Variant Classification Sherloc (09022015). Collection method: clinical testing. Allele origin: germline.
Comment: This sequence change replaces arginine, which is basic and polar, with tryptophan, which is neutral and slightly polar, at codon 1033 of the IGSF10 protein (p.Arg1033Trp). This variant is present in population databases (rs145551493, gnomAD 0.02%). This variant has not been reported in the literature in individuals affected with IGSF10-related conditions. ClinVar contains an entry for this variant (Variation ID: 1493381). An algorithm developed to predict the effect of missense changes on protein structure and function outputs the following: PolyPhen-2: "Benign". The tryptophan amino acid residue is found in multiple mammalian species, which suggests that this missense change does not adversely affect protein function. In summary, the available evidence is currently insufficient to determine the role of this variant in disease. Therefore, it has been classified as a Variant of Uncertain Significance.

NM_178822.5(IGSF10):c.3097C>T (p.Arg1033Trp)

Gene: IGSF10 (immunoglobulin superfamily member 10; minus strand). Cytogenetic location: 3q25.1.
Variant type: single nucleotide variant.
Coding change: c.3097C>T on transcript NM_178822.5 (MANE Select); coding-DNA position 3097, C replaced by T.
Protein change: p.Arg1033Trp; replaces arginine 1033 with tryptophan.
Molecular consequence: missense variant.
Genome position (GRCh38, 1-based): chr3:151,446,884, G>A on the plus strand (C>T on the coding strand, the complement: IGSF10 is on the minus strand). VCF-style: chr3-151446884-G-A. GRCh37 (hg19) VCF-style: chr3-151164672-G-A.
Other names: c.3097C>T, p.Arg1033Trp (NM_001385060.1, NM_001385061.1, NM_001385062.1 and 1 more transcripts); short protein forms R1033W.
Identifiers: ClinVar variation 1493381 (VCV001493381.6), dbSNP rs145551493, ClinGen allele CA2670230.
Genomic context (GRCh38, chr3:151,446,884, plus strand): 5'-CAGTAGTGCTTTTTTCAGAAGAACCTCTGGTTGTTGACCTGAAAATGCTGTATCTATGCC[G>A]TCGCAGAACTGGAGTTCTATATGGGCTGATAATCCGCCCCCTTCCGCCAATTTTCCTCTG-3'
Protein context (NP_849144.2, residues 1023-1043): ISPYRTPVLR[Arg1033Trp]HRYSIFRSTT